The following is an entry in ClinVar:

ClinVar aggregate classification (germline): Pathogenic (1 of 4 stars; one submission).

Conditions:
Osteogenesis imperfecta type 7 (OI7). Also called: OI type 7; OI type VII; OSTEOGENESIS IMPERFECTA, TYPE IIB; Osteogenesis imperfecta type 2B; OI type 2B; Osteogenesis imperfecta, perinatal lethal autosomal recessive. Identifiers: MedGen C1853162, MONDO:0012536, OMIM 610682.

Submission:

Labcorp Genetics (formerly Invitae), Labcorp
Classification: Pathogenic for Osteogenesis imperfecta type 7. Last evaluated: 2022-11-20. Review status: criteria provided, single submitter. Criteria: Invitae Variant Classification Sherloc (09022015). Collection method: clinical testing. Allele origin: unknown.
Comment: For these reasons, this variant has been classified as Pathogenic. This variant has not been reported in the literature in individuals affected with CRTAP-related conditions. This variant is a gross deletion of the genomic region encompassing exon(s) 1-6 of the CRTAP gene, which includes the initiator codon. This deletion extends beyond the assayed region for this gene and therefore may encompass additional genes. It is expected to result in an absent or disrupted protein product. Loss-of-function variants in CRTAP are known to be pathogenic (PMID: 17055431, 19862557, 24715559).

Literature cited by the submitters: PubMed 17055431; PubMed 19862557; PubMed 24715559.

NC_000003.11:g.(?_33155570)_(33175777_?)del

Gene: CRTAP (cartilage associated protein; plus strand). Cytogenetic location: 3p22.3.
Variant type: Deletion.
Identifiers: ClinVar variation 3246881 (VCV003246881.1).